The following is an entry in ClinVar:

NM_004525.3(LRP2):c.6674G>A (p.Arg2225Gln)

Gene: LRP2 (LDL receptor related protein 2; minus strand). Cytogenetic location: 2q31.1.
Variant type: single nucleotide variant.
Coding change: c.6674G>A on transcript NM_004525.3 (MANE Select); coding-DNA position 6674, G replaced by A.
Protein change: p.Arg2225Gln; replaces arginine 2225 with glutamine.
Molecular consequence: missense variant.
Genome position (GRCh38, 1-based): chr2:169,207,046, C>T on the plus strand (G>A on the coding strand, the complement: LRP2 is on the minus strand). VCF-style: chr2-169207046-C-T. GRCh37 (hg19) VCF-style: chr2-170063556-C-T.
Other names: short protein forms R2225Q.
Identifiers: ClinVar variation 1494039 (VCV001494039.7), dbSNP rs990844377, ClinGen allele CA59934372.

ClinVar aggregate classification (germline): Uncertain significance. Review status: criteria provided, multiple submitters, no conflicts (2 of 4 stars). 2 submissions from 2 submitters: Uncertain significance (2). Last evaluated 2024-10-29.

Allele frequency attached by ClinVar (database versions not stated): gnomAD exomes 0.00002; TOPMed 0.00002.

Submissions (2):

Labcorp Genetics (formerly Invitae), Labcorp
Classification: Uncertain significance. Last evaluated: 2024-10-29. Review status: criteria provided, single submitter. Criteria: Invitae Variant Classification Sherloc (09022015). Collection method: clinical testing. Allele origin: germline.
Comment: This sequence change replaces arginine, which is basic and polar, with glutamine, which is neutral and polar, at codon 2225 of the LRP2 protein (p.Arg2225Gln). This variant is present in population databases (no rsID available, gnomAD 0.009%). This variant has not been reported in the literature in individuals affected with LRP2-related conditions. ClinVar contains an entry for this variant (Variation ID: 1494039). Invitae Evidence Modeling of protein sequence and biophysical properties (such as structural, functional, and spatial information, amino acid conservation, physicochemical variation, residue mobility, and thermodynamic stability) indicates that this missense variant is expected to disrupt LRP2 protein function with a positive predictive value of 95%. In summary, the available evidence is currently insufficient to determine the role of this variant in disease. Therefore, it has been classified as a Variant of Uncertain Significance.

Blueprint Genetics
Classification: Uncertain significance. Last evaluated: 2022-09-14. Review status: criteria provided, single submitter. Criteria: ACMG Guidelines, 2015. Collection method: clinical testing. Allele origin: germline.